The following is an entry in ClinVar:

ClinVar aggregate classification (germline): Uncertain significance (1 of 4 stars; one submission).

Conditions:
LZTFL1-related disorder. Also called: LZTFL1-related condition.

Allele frequency attached by ClinVar (database versions not stated): gnomAD exomes 0.00003; gnomAD 0.00002; TOPMed 0.00002; ExAC 0.00008.
gnomAD v4.1: 38 of 1,500,500 alleles (0.0025%); highest among the groups gnomAD compares: Admixed American, 0.018%; no homozygotes.

Submission:

PreventionGenetics, part of Exact Sciences
Classification: Uncertain significance for LZTFL1-related condition. Last evaluated: 2026-08-18. Review status: criteria provided, single submitter. Criteria: ACMG Guidelines, 2015. Collection method: clinical testing. Allele origin: germline.
Comment: The LZTFL1 c.28-5T>G variant is predicted to interfere with splicing. This variant is also referred to as c.28-5T>G in an alternative transcript NM_001276379.1 and is predicted to weaken splicing based on available splicing prediction programs (SpliceAI, Jaganathan et al. 2019. PubMed ID: 30661751). However, the use of computer prediction programs is not equivalent to functional evidence. It has been reported in an individual with obesity (Table S1, Roberts et al. 2022. PubMed ID: 35562395). This variant is reported in 0.021% of alleles in individuals of Latino descent in gnomAD. At this time, the clinical significance of this variant is uncertain due to the absence of conclusive functional and genetic evidence.

NM_001276379.2(LZTFL1):c.28-5T>G

Gene: LZTFL1 (leucine zipper transcription factor like 1; minus strand). Cytogenetic location: 3p21.31.
Variant type: single nucleotide variant.
Coding change: c.28-5T>G on transcript NM_001276379.2; 5 bases into the intron before coding-DNA position 28, T replaced by G.
Molecular consequence: intron variant.
Genome position (GRCh38, 1-based): chr3:45,855,079, A>C on the plus strand (T>G on the coding strand, the complement: LZTFL1 is on the minus strand). VCF-style: chr3-45855079-A-C. GRCh37 (hg19) VCF-style: chr3-45896571-A-C.
Other names: c.28-17028T>G (NM_001405925.1, NM_001405920.1); c.28-5T>G (NM_001405921.1); c.-137-5T>G (NM_001405927.1, NM_001276378.2, NM_001405926.1 and 1 more transcripts).
Identifiers: ClinVar variation 2634303 (VCV002634303.4), dbSNP rs749151613, ClinGen allele CA2352059.
Genomic context (GRCh38, chr3:45,855,079, plus strand): 5'-GGAAAAGTCACCAAAGGGTGGGTAGGGTACAACTTGATGGATTTTCTCTGCCTTCCCTAG[A>C]AAATGAGAGTTCGAGTTAAAAATTATAAGTTGTATCTTAAAAACATCAAAGGGATATGAT-3'